The following is an entry in ClinVar:

ClinVar aggregate classification (germline): Benign. Review status: criteria provided, multiple submitters, no conflicts (2 of 4 stars). 2 submissions from 2 submitters: Benign (2). Last evaluated 2018-01-13.

Conditions:
Gamma-aminobutyric acid transaminase deficiency (GABATD). Also called: GABA aminotransaminase deficiency; GABA transaminase deficiency; Gamma aminobutyrate transaminase deficiency; 4 alpha aminobutyrate transaminase deficiency. Identifiers: Orphanet 2066, MedGen C0342708, MONDO:0013166, OMIM 613163.

Allele frequency attached by ClinVar (database versions not stated): gnomAD 0.14096 and 0.14346; TOPMed 0.14358; 1000 Genomes Project 30x 0.17333; 1000 Genomes Project 0.17672.

Submissions (2):

Illumina Laboratory Services, Illumina
Classification: Benign for Gamma-aminobutyric acid transaminase deficiency. Last evaluated: 2018-01-13. Review status: criteria provided, single submitter. Criteria: ICSL Variant Classification Criteria 13 December 2019. Collection method: clinical testing. Allele origin: germline.
Comment: This variant was observed in the ICSL laboratory as part of a predisposition screen in an ostensibly healthy population. It had not been previously curated by ICSL or reported in the Human Gene Mutation Database (HGMD: prior to June 1st, 2018), and was therefore a candidate for classification through an automated scoring system. Utilizing variant allele frequency, disease prevalence and penetrance estimates, and inheritance mode, an automated score was calculated to assess if this variant is too frequent to cause the disease. Based on the score and internal cut-off values, a variant classified as benign is not then subjected to further curation. The score for this variant resulted in a classification of benign for this disease.

Breakthrough Genomics
Classification: Benign. Review status: criteria provided, single submitter. Criteria: ACMG Guidelines, 2015. Collection method: not provided. Allele origin: germline. Inheritance: Autosomal recessive inheritance. Affected: yes.

NM_020686.6(ABAT):c.*1558G>A

Gene: ABAT (4-aminobutyrate aminotransferase; plus strand). Cytogenetic location: 16p13.2.
Variant type: single nucleotide variant.
Coding change: c.*1558G>A on transcript NM_020686.6 (MANE Select); 1558 bases downstream of the stop codon, G replaced by A.
Molecular consequence: 3 prime UTR variant.
Genome position (GRCh38, 1-based): chr16:8,782,988, G>A. VCF-style: chr16-8782988-G-A. GRCh37 (hg19) VCF-style: chr16-8876845-G-A.
Other names: c.*1558G>A (NM_000663.5, NM_001127448.2, NM_001386600.1 and 14 more transcripts); c.*1572G>A (NM_001386609.1, NM_001386616.1).
Identifiers: ClinVar variation 321124 (VCV000321124.6), dbSNP rs45515994, ClinGen allele CA10649107.